The following is an entry in ClinVar:

ClinVar aggregate classification (germline): Conflicting classifications of pathogenicity. Review status: criteria provided, conflicting classifications (1 of 4 stars). 2 submissions from 2 submitters: Uncertain significance (1); Likely benign (1). Last evaluated 2023-12-04.

Conditions:
Pheochromocytoma/paraganglioma syndrome 5. Also called: Paragangliomas 5; SDHA-Related Hereditary Paraganglioma-Pheochromocytoma Syndrome. Identifiers: Orphanet 29072, MedGen C3279992, MONDO:0013602, OMIM 614165.
Mitochondrial complex II deficiency, nuclear type 1. Also called: SUCCINATE CoQ REDUCTASE DEFICIENCY. Identifiers: Orphanet 3208, MedGen C5700310, MONDO:0100294, OMIM 252011.
Hereditary cancer-predisposing syndrome. Also called: Tumor predisposition; Neoplastic Syndromes, Hereditary; Hereditary Cancer Syndrome; Hereditary neoplastic syndrome. Identifiers: Orphanet 140162, MedGen C0027672, MeSH D009386, MONDO:0015356.

Allele frequency attached by ClinVar (database versions not stated): gnomAD exomes below 0.00001.
gnomAD v4.1: 1 of 1,612,028 alleles (0.000062%); highest among the groups gnomAD compares: Non-Finnish European, 0.000085%; no homozygotes.

Submissions (2):

Labcorp Genetics (formerly Invitae), Labcorp
Classification: Uncertain significance for Pheochromocytoma/paraganglioma syndrome 5; Mitochondrial complex II deficiency, nuclear type 1. Last evaluated: 2023-12-04. Review status: criteria provided, single submitter. Criteria: Invitae Variant Classification Sherloc (09022015). Collection method: clinical testing. Allele origin: germline.
Comment: This sequence change replaces threonine, which is neutral and polar, with alanine, which is neutral and non-polar, at codon 24 of the SDHA protein (p.Thr24Ala). This variant is not present in population databases (gnomAD no frequency). This variant has not been reported in the literature in individuals affected with SDHA-related conditions. ClinVar contains an entry for this variant (Variation ID: 659245). Advanced modeling of protein sequence and biophysical properties (such as structural, functional, and spatial information, amino acid conservation, physicochemical variation, residue mobility, and thermodynamic stability) performed at Invitae indicates that this missense variant is not expected to disrupt SDHA protein function with a negative predictive value of 95%. In summary, the available evidence is currently insufficient to determine the role of this variant in disease. Therefore, it has been classified as a Variant of Uncertain Significance.

Ambry Genetics
Classification: Likely benign for Hereditary cancer-predisposing syndrome. Last evaluated: 2023-02-21. Review status: criteria provided, single submitter. Criteria: Ambry Variant Classification Scheme 2023. Collection method: clinical testing. Allele origin: germline.

NM_004168.4(SDHA):c.70A>G (p.Thr24Ala)

Gene: SDHA (succinate dehydrogenase complex flavoprotein subunit A; plus strand). Cytogenetic location: 5p15.33.
Variant type: single nucleotide variant.
Coding change: c.70A>G on transcript NM_004168.4 (MANE Select); coding-DNA position 70, A replaced by G.
Protein change: p.Thr24Ala; replaces threonine 24 with alanine.
Molecular consequence: missense variant.
Genome position (GRCh38, 1-based): chr5:223,488, A>G. VCF-style: chr5-223488-A-G. GRCh37 (hg19) VCF-style: chr5-223603-A-G.
Other names: c.70A>G, p.Thr24Ala (NM_001294332.2, NM_001330758.2); c.70A>G (NM_004168.2); short protein forms T24A.
Identifiers: ClinVar variation 659245 (VCV000659245.8), dbSNP rs1579379632, ClinGen allele CA359008073.